The following is an entry in ClinVar:

ClinVar aggregate classification (germline): Likely pathogenic (0 of 4 stars; one submission).

Conditions:
TTN-related disorder. Also called: TTN-related condition; TTN-related disease; TTN-related disorders.

Submission:

PreventionGenetics, part of Exact Sciences
Classification: Likely pathogenic for TTN-related condition. Last evaluated: 2024-02-21. Review status: no assertion criteria provided. Collection method: clinical testing. Allele origin: germline.
Comment: The TTN c.78797delT variant is predicted to result in premature protein termination (p.Leu26266*). To our knowledge, this variant has not been reported in the literature or in a large population database, indicating this variant is rare. This variant is located in the A-band region of the TTN protein and other truncating variants in this exon have previously been reported to be pathogenic for recessive and dominant TTN-related disorders including dilated cardiomyopathy, centronuclear myopathy, and muscular dystrophy (Human Gene Mutation Database). RNAseq studies from heart tissue indicate this exon is commonly included in TTN mRNA transcripts (PSI of 100%); however, this analysis in muscle tissue was not performed (Roberts et al. 2015. PMID: 25589632). TTN truncating variants are reported in 1-2% of presumably healthy individuals and occur more frequently in exons with low PSI values, indicating this variant is more likely to be disease causing (Herman et al. 2012. PMID: 22335739; Roberts et al. 2015. PMID: 25589632). In summary, this variant is interpreted as likely pathogenic for TTN-related disorders.

NM_001267550.2(TTN):c.78797del (p.Ile26265_Leu26266insTer)

Genes: TTN (titin; minus strand), TTN-AS1 (TTN antisense RNA 1; plus strand). Cytogenetic location: 2q31.2.
Variant type: Deletion.
Coding change: c.78797del on transcript NM_001267550.2 (MANE Select); coding-DNA position 78797, one base deleted (T; older notation c.78797delT).
Protein change: p.Ile26265_Leu26266insTer.
Molecular consequence: nonsense.
Genome position (GRCh38, 1-based): chr2:178,567,335, A deleted on the plus strand (T on the coding strand, the reverse complement: TTN is on the minus strand); the first of 4 consecutive A bases (chr2:178,567,335-178,567,338); deleting any one gives the same sequence. VCF-style (leftmost placement, unchanged base first): chr2-178567334-TA-T. GRCh37 (hg19) VCF-style: chr2-179432061-TA-T.
Other names: c.73874del, p.Ile24624_Leu24625insTer (NM_001256850.1); c.51602del, p.Ile17200_Leu17201insTer (NM_003319.4); c.71093del, p.Ile23697_Leu23698insTer (NM_133378.4); c.51977del, p.Ile17325_Leu17326insTer (NM_133432.3); c.52178del, p.Ile17392_Leu17393insTer (NM_133437.4); c.78797delT (NM_001267550.2).
Identifiers: ClinVar variation 3061222 (VCV003061222.2), dbSNP rs2468319890, ClinGen allele CA2740096332.